The following is an entry in ClinVar:

NM_001267550.2(TTN):c.107182G>A (p.Glu35728Lys)

Genes: TTN (titin; minus strand), TTN-AS1 (TTN antisense RNA 1; plus strand). Cytogenetic location: 2q31.2.
Variant type: single nucleotide variant.
Coding change: c.107182G>A on transcript NM_001267550.2 (MANE Select); coding-DNA position 107182, G replaced by A.
Protein change: p.Glu35728Lys; replaces glutamic acid 35728 with lysine.
Molecular consequence: missense variant.
Genome position (GRCh38, 1-based): chr2:178,528,569, C>T on the plus strand (G>A on the coding strand, the complement: TTN is on the minus strand). VCF-style: chr2-178528569-C-T. GRCh37 (hg19) VCF-style: chr2-179393296-C-T.
Other names: c.102259G>A, p.Glu34087Lys (NM_001256850.1); c.79987G>A, p.Glu26663Lys (NM_003319.4); c.99478G>A, p.Glu33160Lys (NM_133378.4); c.80362G>A, p.Glu26788Lys (NM_133432.3); c.80563G>A, p.Glu26855Lys (NM_133437.4); short protein forms E35728K, E33160K, E26855K, E34087K, E26663K, E26788K.
Identifiers: ClinVar variation 290367 (VCV000290367.10), dbSNP rs764891218, ClinGen allele CA1984991.
Genomic context (GRCh38, chr2:178,528,569, plus strand): 5'-TATTCATAATTAAACTTACTGGCAGGTTGTTTTTAAACCATTCGATTTCAGGGGATGGCT[C>T]GCCACTGATTTCACAAGTAAAGAGAACATTTTGTCCTTCATTAATATTTTGAGATCTAGG-3'
Protein context (NP_001254479.2, residues 35718-35738): NVLFTCEISG[Glu35728Lys]PSPEIEWFKN

ClinVar aggregate classification (germline): Uncertain significance. Review status: criteria provided, multiple submitters, no conflicts (2 of 4 stars). 4 submissions from 4 submitters: Uncertain significance (4). Last evaluated 2025-12-08.

Allele frequency attached by ClinVar (database versions not stated): ExAC 0.00001; gnomAD 0.00001; gnomAD exomes 0.00001; TOPMed 0.00002.
gnomAD v4.1: 24 of 1,612,066 alleles (0.0015%); highest among the groups gnomAD compares: Middle Eastern, 0.033%; no homozygotes.

Submissions (4):

Women's Health and Genetics/Laboratory Corporation of America, LabCorp
Classification: Uncertain significance. Last evaluated: 2025-12-08. Review status: criteria provided, single submitter. Criteria: LabCorp Variant Classification Summary - May 2015. Collection method: clinical testing. Allele origin: germline.
Comment: Variant summary: TTN c.99478G>A (p.Glu33160Lys) results in a conservative amino acid change located in the M-band region of the encoded protein sequence. Algorithms developed to predict the effect of missense changes on protein structure and function are either unavailable or do not agree on the potential impact of this missense change. The variant allele was found at a frequency of 1.4e-05 in 1605072 control chromosomes (gnomAD). This frequency is not significantly higher than estimated for disease-causing variants in TTN, allowing no conclusion about variant significance. c.99478G>A has been observed in individual(s) affected with potential TTN-related heart conditions, without strong evidence for causality (e.g. Campuzano_2015). These report(s) do not provide unequivocal conclusions about association of the variant with Dilated Cardiomyopathy. To our knowledge, no experimental evidence demonstrating an impact on protein function has been reported. The following publications have been ascertained in the context of this evaluation (PMID: 27930701). ClinVar contains an entry for this variant (Variation ID: 290367). Based on the evidence outlined above, the variant was classified as uncertain significance.

Revvity Omics, Revvity
Classification: Uncertain significance. Last evaluated: 2024-11-20. Review status: criteria provided, single submitter. Criteria: ACMG Guidelines, 2015. Collection method: clinical testing. Allele origin: germline.

Athena Diagnostics
Classification: Uncertain significance. Last evaluated: 2022-07-26. Review status: criteria provided, single submitter. Criteria: Athena Diagnostics Criteria. Collection method: clinical testing. Allele origin: unknown.

Eurofins Ntd Llc (ga)
Classification: Uncertain significance. Last evaluated: 2016-09-03. Review status: criteria provided, single submitter. Criteria: EGL Classification Definitions 2015. Collection method: clinical testing. Allele origin: germline. Observed: 1 variant allele, 1 heterozygote.

Literature cited by the submitters: PubMed 27930701 (cited by Women's Health and Genetics/Laboratory Corporation of America, LabCorp).